The following is an entry in ClinVar:

ClinVar aggregate classification (germline): Uncertain significance (1 of 4 stars; one submission).

Conditions:
Hereditary cancer-predisposing syndrome. Also called: Neoplastic Syndromes, Hereditary; Tumor predisposition; Hereditary Cancer Syndrome; Hereditary neoplastic syndrome. Identifiers: Orphanet 140162, MedGen C0027672, MeSH D009386, MONDO:0015356.

Submission:

Ambry Genetics
Classification: Uncertain significance for Hereditary cancer-predisposing syndrome. Last evaluated: 2018-04-11. Review status: criteria provided, single submitter. Criteria: Ambry Variant Classification Scheme 2023. Collection method: clinical testing. Allele origin: germline.
Comment: The p.V135L variant (also known as c.403G>T), located in coding exon 5 of the RAD51D gene, results from a G to T substitution at nucleotide position 403. The valine at codon 135 is replaced by leucine, an amino acid with highly similar properties. This amino acid position is poorly conserved in available vertebrate species. In addition, this alteration is predicted to be tolerated by in silico analysis. Since supporting evidence is limited at this time, the clinical significance of this alteration remains unclear.

NM_002878.4(RAD51D):c.403G>T (p.Val135Leu)

Genes: RAD51D (RAD51 paralog D; minus strand), RAD51L3-RFFL (RAD51L3-RFFL readthrough; minus strand). Cytogenetic location: 17q12.
Variant type: single nucleotide variant.
Coding change: c.403G>T on transcript NM_002878.4 (MANE Select); coding-DNA position 403, G replaced by T.
Protein change: p.Val135Leu; replaces valine 135 with leucine.
Molecular consequence: missense variant. On other transcripts: non-coding transcript variant (1), intron variant (1).
Genome position (GRCh38, 1-based): chr17:35,107,065, C>A on the plus strand (G>T on the coding strand, the complement: RAD51D is on the minus strand). VCF-style: chr17-35107065-C-A. GRCh37 (hg19) VCF-style: chr17-33434084-C-A.
Other names: c.463G>T, p.Val155Leu (NM_001142571.2); c.145-584G>T (NM_133629.3); short protein forms V155L, V135L.
Identifiers: ClinVar variation 1737277 (VCV001737277.2), dbSNP rs2142433203, ClinGen allele CA399089291.